The following is an entry in ClinVar:

ClinVar aggregate classification (germline): Uncertain significance (1 of 4 stars; one submission).

Conditions:
Inborn genetic diseases. Identifiers: MedGen C0950123, MeSH D030342.

gnomAD v4.1: 1 of 1,614,174 alleles (0.000062%); highest among the groups gnomAD compares: Non-Finnish European, 0.000085%; no homozygotes.

Submission:

Ambry Genetics
Classification: Uncertain significance for Inborn genetic diseases. Last evaluated: 2025-04-12. Review status: criteria provided, single submitter. Criteria: Ambry Variant Classification Scheme 2023. Collection method: clinical testing. Allele origin: germline.
Comment: The p.L195W variant (also known as c.584T>G), located in coding exon 5 of the FANCG gene, results from a T to G substitution at nucleotide position 584. The leucine at codon 195 is replaced by tryptophan, an amino acid with similar properties. This amino acid position is conserved. In addition, this alteration is predicted to be deleterious by in silico analysis. Based on the available evidence, the clinical significance of this variant remains unclear.

NM_004629.2(FANCG):c.584T>G (p.Leu195Trp)

Gene: FANCG (FA complementation group G; minus strand). Cytogenetic location: 9p13.3.
Variant type: single nucleotide variant.
Coding change: c.584T>G on transcript NM_004629.2 (MANE Select); coding-DNA position 584, T replaced by G.
Protein change: p.Leu195Trp; replaces leucine 195 with tryptophan.
Molecular consequence: missense variant.
Genome position (GRCh38, 1-based): chr9:35,077,326, A>C on the plus strand (T>G on the coding strand, the complement: FANCG is on the minus strand). VCF-style: chr9-35077326-A-C. GRCh37 (hg19) VCF-style: chr9-35077323-A-C.
Other names: short protein forms L195W.
Identifiers: ClinVar variation 4022487 (VCV004022487.1).
Genomic context (GRCh38, chr9:35,077,326, plus strand): 5'-TGGCGGTAGGCAAATGCTGTCAGGAGGACATCCTTCAATCCCTGGGCATCCTGCAGGGTC[A>C]ATGGAGCATCTAATTCCTCAGCTGGGGGACTCCAAGTTTTCAGAAGTAACAGCAGATCCT-3'
Protein context (NP_004620.1, residues 185-205): SPPAEELDAP[Leu195Trp]TLQDAQGLKD